The following is an entry in ClinVar:

ClinVar aggregate classification (germline): Uncertain significance (1 of 4 stars; one submission).

Conditions:
Multiple gastrointestinal atresias. Also called: Multiple intestinal atresia; FAMILIAL INTESTINAL POLYATRESIA SYNDROME. Identifiers: Orphanet 2300, MedGen C0220744, MONDO:0009465.

Allele frequency attached by ClinVar (database versions not stated): TOPMed below 0.00001.
gnomAD v4.1: 1 of 1,610,190 alleles (0.000062%); highest among the groups gnomAD compares: Non-Finnish European, 0.000085%; no homozygotes.

Submission:

Labcorp Genetics (formerly Invitae), Labcorp
Classification: Uncertain significance for Multiple gastrointestinal atresias. Last evaluated: 2024-11-04. Review status: criteria provided, single submitter. Criteria: Invitae Variant Classification Sherloc (09022015). Collection method: clinical testing. Allele origin: germline.
Comment: This sequence change replaces glutamic acid, which is acidic and polar, with aspartic acid, which is acidic and polar, at codon 857 of the TTC7A protein (p.Glu857Asp). This variant is not present in population databases (gnomAD no frequency). This variant has not been reported in the literature in individuals affected with TTC7A-related conditions. ClinVar contains an entry for this variant (Variation ID: 1715297). An algorithm developed to predict the effect of missense changes on protein structure and function (PolyPhen-2) suggests that this variant¬†is likely to be tolerated. In summary, the available evidence is currently insufficient to determine the role of this variant in disease. Therefore, it has been classified as a Variant of Uncertain Significance.

NM_020458.4(TTC7A):c.2571G>C (p.Glu857Asp)

Gene: TTC7A (tetratricopeptide repeat domain 7A; plus strand). Cytogenetic location: 2p21.
Variant type: single nucleotide variant.
Coding change: c.2571G>C on transcript NM_020458.4 (MANE Select); coding-DNA position 2571, G replaced by C.
Protein change: p.Glu857Asp; replaces glutamic acid 857 with aspartic acid.
Molecular consequence: missense variant.
Genome position (GRCh38, 1-based): chr2:47,073,917, G>C. VCF-style: chr2-47073917-G-C. GRCh37 (hg19) VCF-style: chr2-47301056-G-C.
Other names: c.2643G>C, p.Glu881Asp (NM_001288951.2); c.2469G>C, p.Glu823Asp (NM_001288953.2); c.1509G>C, p.Glu503Asp (NM_001288955.2); short protein forms E503D, E823D, E857D, E881D.
Identifiers: ClinVar variation 1715297 (VCV001715297.5), dbSNP rs1028485610, ClinGen allele CA46635004.
Genomic context (GRCh38, chr2:47,073,917, plus strand): 5'-CACCGCCCTTGAGCTGGAGGCCAGCAGCCCTGTACTGCCCTTCTCCATCATCCCCAGAGA[G>C]CTCTGACGACGCTGCAGCCGCAGGGAGGGAGGGGCTGGCCAGAGGGAGAGGCAGCAGGGA-3'
Protein context (NP_065191.2, residues 847-858): PVLPFSIIPR[Glu857Asp]L